The following is an entry in ClinVar:

ClinVar aggregate classification (germline): Likely benign. Review status: criteria provided, multiple submitters, no conflicts (2 of 4 stars). 2 submissions from 2 submitters: Likely benign (2). Last evaluated 2024-02-10.

Conditions:
Malignant hyperthermia, susceptibility to, 1 (MHS1). Also called: Anesthesia related hyperthermia; Malignant hyperpyrexia; Fulminating hyperpyrexia; Pharmacogenic myopathy; RYR1-Related Malignant Hyperthermia Susceptibility; Malignant hyperthermia suceptibility 1. Identifiers: Orphanet 423, MedGen C2930980, MONDO:0007783, OMIM 145600.
RYR1-related disorder. Also called: RYR1-related condition; RYR1-related disorders. Identifiers: MedGen CN239331.

Allele frequency attached by ClinVar (database versions not stated): TOPMed below 0.00001.
gnomAD v4.1: 2 of 1,614,072 alleles (0.00012%); highest among the groups gnomAD compares: Non-Finnish European, 0.00017%; no homozygotes.

Submissions (2):

Labcorp Genetics (formerly Invitae), Labcorp
Classification: Likely benign for RYR1-related disorder. Last evaluated: 2024-02-10. Review status: criteria provided, single submitter. Criteria: Invitae Variant Classification Sherloc (09022015). Collection method: clinical testing. Allele origin: germline.

All of Us Research Program, National Institutes of Health
Classification: Likely benign for Malignant hyperthermia, susceptibility to, 1. Last evaluated: 2023-10-06. Review status: criteria provided, single submitter. Criteria: ACMG Guidelines, 2015. Collection method: clinical testing. Allele origin: germline. Inheritance: Autosomal dominant inheritance. Observed: 2 variant alleles, 2 heterozygotes.
Comment: This study involves interpretation of variants in research participants for the purpose of population health screening. Participant phenotype was not available at the time of variant classification. Additional details can be found in publication PMID: 35346344, PMCID: PMC8962531

NM_000540.3(RYR1):c.12486C>T (p.Phe4162=)

Gene: RYR1 (ryanodine receptor 1; plus strand). Cytogenetic location: 19q13.2.
Variant type: single nucleotide variant.
Coding change: c.12486C>T on transcript NM_000540.3 (MANE Select); coding-DNA position 12486, C replaced by T.
Protein change: p.Phe4162=; no amino-acid change (phenylalanine 4162 retained).
Molecular consequence: synonymous variant.
Genome position (GRCh38, 1-based): chr19:38,561,316, C>T. VCF-style: chr19-38561316-C-T. GRCh37 (hg19) VCF-style: chr19-39051956-C-T.
Other names: c.12471C>T, p.Phe4157= (NM_001042723.2).
Identifiers: ClinVar variation 3013774 (VCV003013774.4), dbSNP rs1973126812, ClinGen allele CA507355301.